The following is an entry in ClinVar:

NM_001042492.3(NF1):c.7369C>T (p.His2457Tyr)

Gene: NF1 (neurofibromin 1; plus strand). Cytogenetic location: 17q11.2.
Variant type: single nucleotide variant.
Coding change: c.7369C>T on transcript NM_001042492.3 (MANE Select); coding-DNA position 7369, C replaced by T.
Protein change: p.His2457Tyr; replaces histidine 2457 with tyrosine.
Molecular consequence: missense variant.
Genome position (GRCh38, 1-based): chr17:31,350,230, C>T. VCF-style: chr17-31350230-C-T. GRCh37 (hg19) VCF-style: chr17-29677248-C-T.
Other names: c.7306C>T, p.His2436Tyr (NM_000267.4); short protein forms H2436Y, H2457Y.
Identifiers: ClinVar variation 480189 (VCV000480189.15), dbSNP rs768404575, ClinGen allele CA8487564.

ClinVar aggregate classification (germline): Conflicting classifications of pathogenicity. Review status: criteria provided, conflicting classifications (1 of 4 stars). 4 submissions from 4 submitters: Uncertain significance (3); Likely benign (1). Last evaluated 2024-09-30.

Conditions:
Cardiovascular phenotype. Identifiers: MedGen CN230736.
Hereditary cancer-predisposing syndrome. Also called: Hereditary neoplastic syndrome; Neoplastic Syndromes, Hereditary; Tumor predisposition; Hereditary Cancer Syndrome. Identifiers: Orphanet 140162, MedGen C0027672, MeSH D009386, MONDO:0015356.
Juvenile myelomonocytic leukemia (JMML). Also called: LEUKEMIA, JUVENILE MYELOMONOCYTIC, SOMATIC. Identifiers: Orphanet 86834, MedGen C0349639, MONDO:0011908, OMIM 607785, HP:0012209.
Neurofibromatosis, type 1 (NF1). Also called: VON RECKLINGHAUSEN DISEASE; Peripheral type neurofibromatosis; NEUROFIBROMATOSIS, TYPE I, SOMATIC; Neurofibromatosis, type I. Identifiers: Orphanet 636, MedGen C0027831, MONDO:0018975, OMIM 162200. Disease mechanism: loss of function.

Allele frequency attached by ClinVar (database versions not stated): gnomAD exomes below 0.00001; ExAC 0.00001.
gnomAD v4.1: 6 of 1,613,886 alleles (0.00037%); highest among the groups gnomAD compares: Non-Finnish European, 0.00034%; no homozygotes.

Submissions (4):

Labcorp Genetics (formerly Invitae), Labcorp
Classification: Likely benign for Neurofibromatosis, type 1. Last evaluated: 2024-09-30. Review status: criteria provided, single submitter. Criteria: Invitae Variant Classification Sherloc (09022015). Collection method: clinical testing. Allele origin: germline.

Ambry Genetics
Classification: Uncertain significance for Cardiovascular phenotype; Hereditary cancer-predisposing syndrome. Last evaluated: 2024-01-12. Review status: criteria provided, single submitter. Criteria: Ambry Variant Classification Scheme 2023. Collection method: clinical testing. Allele origin: germline.
Comment: The p.H2436Y variant (also known as c.7306C>T), located in coding exon 49 of the NF1 gene, results from a C to T substitution at nucleotide position 7306. The histidine at codon 2436 is replaced by tyrosine, an amino acid with similar properties. This amino acid position is highly conserved in available vertebrate species. In addition, the in silico prediction for this alteration is inconclusive. Since supporting evidence is limited at this time, the clinical significance of this alteration remains unclear.

Baylor Genetics
Classification: Uncertain significance for Juvenile myelomonocytic leukemia. Last evaluated: 2023-11-21. Review status: criteria provided, single submitter. Criteria: ACMG Guidelines, 2015. Collection method: clinical testing. Allele origin: unknown.

Genome-Nilou Lab
Classification: Uncertain significance for Neurofibromatosis, type 1. Last evaluated: 2022-03-15. Review status: criteria provided, single submitter. Criteria: ACMG Guidelines, 2015. Collection method: clinical testing. Allele origin: germline. Affected: no.